The following is an entry in ClinVar:

NM_000535.7(PMS2):c.706-14T>A

Gene: PMS2 (PMS1 homolog 2, mismatch repair system component; minus strand). Cytogenetic location: 7p22.1.
Variant type: single nucleotide variant.
Coding change: c.706-14T>A on transcript NM_000535.7 (MANE Select); 14 bases into the intron before coding-DNA position 706, T replaced by A.
Molecular consequence: intron variant.
Genome position (GRCh38, 1-based): chr7:5,997,437, A>T on the plus strand (T>A on the coding strand, the complement: PMS2 is on the minus strand). VCF-style: chr7-5997437-A-T. GRCh37 (hg19) VCF-style: chr7-6037068-A-T.
Other names: c.388-14T>A (NM_001322008.2, NM_001322007.2); c.301-14T>A (NM_001322010.2, NM_001322004.2, NM_001322003.2 and 2 more transcripts); c.133-14T>A (NM_001322013.2); c.-228-14T>A (NM_001322012.2, NM_001322011.2); c.397-14T>A (NM_001322015.2); c.706-14T>A (NM_001322006.2, NM_001322014.2, NM_000535.6).
Identifiers: ClinVar variation 388799 (VCV000388799.2), dbSNP rs1057523232, ClinGen allele CA16605846.

ClinVar aggregate classification (germline): Likely benign. Review status: criteria provided, multiple submitters, no conflicts (2 of 4 stars). 2 submissions from 2 submitters: Likely benign (2). Last evaluated 2023-07-07.

Conditions:
Lynch syndrome 4 (LYNCH4). Also called: Hereditary non-polyposis colorectal cancer, type 4; Colorectal cancer, hereditary nonpolyposis, type 4. Identifiers: Orphanet 144, MedGen C1838333, MONDO:0013699, OMIM 614337. Disease mechanism: loss of function.

Submissions (2):

KCCC/NGS Laboratory, Kuwait Cancer Control Center
Classification: Likely benign for Lynch syndrome 4. Last evaluated: 2023-07-07. Review status: criteria provided, single submitter. Criteria: ACMG Guidelines, 2015. Collection method: clinical testing. Allele origin: germline. Affected: yes.

GeneDx
Classification: Likely benign. Last evaluated: 2016-08-19. Review status: criteria provided, single submitter. Criteria: GeneDx Variant Classification (06012015). Collection method: clinical testing. Allele origin: germline. Affected: yes.
Comment: This variant is considered likely benign or benign based on one or more of the following criteria: it is a conservative change, it occurs at a poorly conserved position in the protein, it is predicted to be benign by multiple in silico algorithms, and/or has population frequency not consistent with disease.